The following is an entry in ClinVar:

NM_000135.4(FANCA):c.457C>T (p.Gln153Ter)

Gene: FANCA (FA complementation group A; minus strand). Cytogenetic location: 16q24.3.
Variant type: single nucleotide variant.
Coding change: c.457C>T on transcript NM_000135.4 (MANE Select); coding-DNA position 457, C replaced by T.
Protein change: p.Gln153Ter; replaces glutamine 153 with a stop codon.
Molecular consequence: nonsense. On other transcripts: intron variant (1).
Genome position (GRCh38, 1-based): chr16:89,810,772, G>A on the plus strand (C>T on the coding strand, the complement: FANCA is on the minus strand). VCF-style: chr16-89810772-G-A. GRCh37 (hg19) VCF-style: chr16-89877180-G-A.
Other names: c.457C>T, p.Gln153Ter (NM_001018112.3, NM_001286167.3); c.426+157C>T (NM_001351830.2); short protein forms Q153*.
Identifiers: ClinVar variation 1459184 (VCV001459184.9), dbSNP rs774448881, ClinGen allele CA397480781.

ClinVar aggregate classification (germline): Pathogenic. Review status: criteria provided, multiple submitters, no conflicts (2 of 4 stars). 2 submissions from 2 submitters: Pathogenic (2). Last evaluated 2024-01-20.

Conditions:
Fanconi anemia complementation group A (FANCA). Also called: FANCA-Related Fanconi Anemia; Fanconi anemia, group A. Identifiers: Orphanet 84, MedGen C3469521, MONDO:0009215, OMIM 227650.
Fanconi anemia (FA). Also called: Fanconi's anemia. Identifiers: Orphanet 84, MedGen C0015625, MeSH D005199, MONDO:0019391.

Submissions (2):

Baylor Genetics
Classification: Pathogenic for Fanconi anemia complementation group A. Last evaluated: 2024-01-20. Review status: criteria provided, single submitter. Criteria: ACMG Guidelines, 2015. Collection method: clinical testing. Allele origin: unknown.

Labcorp Genetics (formerly Invitae), Labcorp
Classification: Pathogenic for Fanconi anemia. Last evaluated: 2023-09-08. Review status: criteria provided, single submitter. Criteria: Invitae Variant Classification Sherloc (09022015). Collection method: clinical testing. Allele origin: germline.
Comment: For these reasons, this variant has been classified as Pathogenic. Algorithms developed to predict the effect of sequence changes on RNA splicing suggest that this variant may disrupt the consensus splice site. ClinVar contains an entry for this variant (Variation ID: 1459184). This premature translational stop signal has been observed in individual(s) with FANCA-related conditions (PMID: 24584348). This variant is not present in population databases (gnomAD no frequency). This sequence change creates a premature translational stop signal (p.Gln153*) in the FANCA gene. It is expected to result in an absent or disrupted protein product. Loss-of-function variants in FANCA are known to be pathogenic (PMID: 19367192).

Literature cited by the submitters: PubMed 24584348 (cited by Labcorp Genetics (formerly Invitae), Labcorp); PubMed 19367192 (cited by Labcorp Genetics (formerly Invitae), Labcorp).